The following is an entry in ClinVar:

NM_018082.6(POLR3B):c.884G>A (p.Arg295Lys)

Gene: POLR3B (RNA polymerase III subunit B; plus strand). Cytogenetic location: 12q23.3.
Variant type: single nucleotide variant.
Coding change: c.884G>A on transcript NM_018082.6 (MANE Select); coding-DNA position 884, G replaced by A.
Protein change: p.Arg295Lys; replaces arginine 295 with lysine.
Molecular consequence: missense variant.
Genome position (GRCh38, 1-based): chr12:106,405,894, G>A. VCF-style: chr12-106405894-G-A. GRCh37 (hg19) VCF-style: chr12-106799672-G-A.
Other names: c.710G>A, p.Arg237Lys (NM_001160708.2); short protein forms R295K, R237K.
Identifiers: ClinVar variation 2300737 (VCV002300737.3), dbSNP rs1471468900, ClinGen allele CA386386180.

ClinVar aggregate classification (germline): Uncertain significance. Review status: criteria provided, multiple submitters, no conflicts (2 of 4 stars). 2 submissions from 2 submitters: Uncertain significance (2). Last evaluated 2024-11-05.

Conditions:
Inborn genetic diseases. Identifiers: MedGen C0950123, MeSH D030342.

Allele frequency attached by ClinVar (database versions not stated): gnomAD 0.00001; TOPMed below 0.00001.
gnomAD v4.1: 3 of 1,613,002 alleles (0.00019%); highest among the groups gnomAD compares: African/African-American, 0.0027%; no homozygotes.

Submissions (2):

GeneDx
Classification: Uncertain significance. Last evaluated: 2024-11-05. Review status: criteria provided, single submitter. Criteria: GeneDx Variant Classification Process June 2021. Collection method: clinical testing. Allele origin: germline. Affected: yes.
Comment: In silico analysis indicates that this missense variant does not alter protein structure/function; Has not been previously published as pathogenic or benign to our knowledge

Ambry Genetics
Classification: Uncertain significance for Inborn genetic diseases. Last evaluated: 2022-08-10. Review status: criteria provided, single submitter. Criteria: Ambry Variant Classification Scheme 2023. Collection method: clinical testing. Allele origin: germline.
Comment: The c.884G>A (p.R295K) alteration is located in exon 11 (coding exon 11) of the POLR3B gene. This alteration results from a G to A substitution at nucleotide position 884, causing the arginine (R) at amino acid position 295 to be replaced by a lysine (K). Based on data from gnomAD, the A allele has an overall frequency of 0.003% (1/31390) total alleles studied. This amino acid position is highly conserved in available vertebrate species. This alteration is predicted to be tolerated by in silico analysis. Based on insufficient or conflicting evidence, the clinical significance of this alteration remains unclear.